The following is an entry in ClinVar:

ClinVar aggregate classification (germline): Uncertain significance (1 of 4 stars; one submission).

Conditions:
Transcobalamin II deficiency (TCN2D). Also called: Transcolabamin II deficiency; TC II DEFICIENCY; TCN2 DEFICIENCY. Identifiers: Orphanet 859, MedGen C0342701, MONDO:0010149, OMIM 275350.

gnomAD v4.1: 1 of 1,614,148 alleles (0.000062%); highest among the groups gnomAD compares: Admixed American, 0.0017%; no homozygotes.

Submission:

Labcorp Genetics (formerly Invitae), Labcorp
Classification: Uncertain significance for Transcobalamin II deficiency. Last evaluated: 2024-12-26. Review status: criteria provided, single submitter. Criteria: Invitae Variant Classification Sherloc (09022015). Collection method: clinical testing. Allele origin: germline.
Comment: This sequence change replaces tyrosine, which is neutral and polar, with cysteine, which is neutral and slightly polar, at codon 157 of the TCN2 protein (p.Tyr157Cys). This variant is present in population databases (no rsID available, gnomAD 0.003%). This variant has not been reported in the literature in individuals affected with TCN2-related conditions. Invitae Evidence Modeling of protein sequence and biophysical properties (such as structural, functional, and spatial information, amino acid conservation, physicochemical variation, residue mobility, and thermodynamic stability) indicates that this missense variant is expected to disrupt TCN2 protein function with a positive predictive value of 80%. In summary, the available evidence is currently insufficient to determine the role of this variant in disease. Therefore, it has been classified as a Variant of Uncertain Significance.

NM_000355.4(TCN2):c.470A>G (p.Tyr157Cys)

Gene: TCN2 (transcobalamin 2; plus strand). Cytogenetic location: 22q12.2.
Variant type: single nucleotide variant.
Coding change: c.470A>G on transcript NM_000355.4 (MANE Select); coding-DNA position 470, A replaced by G.
Protein change: p.Tyr157Cys; replaces tyrosine 157 with cysteine.
Molecular consequence: missense variant.
Genome position (GRCh38, 1-based): chr22:30,614,391, A>G. VCF-style: chr22-30614391-A-G. GRCh37 (hg19) VCF-style: chr22-31010378-A-G.
Other names: c.389A>G, p.Tyr130Cys (NM_001184726.2); short protein forms Y130C, Y157C.
Identifiers: ClinVar variation 3712329 (VCV003712329.2).